The following is an entry in ClinVar:

ClinVar aggregate classification (germline): Pathogenic (1 of 4 stars; one submission).

Conditions:
Congenital sideroblastic anemia-B-cell immunodeficiency-periodic fever-developmental delay syndrome. Also called: Sideroblastic anemia with B-cell immunodeficiency, periodic fevers, and developmental delay. Identifiers: Orphanet 369861, MedGen C4015172, MONDO:0014487, OMIM 616084.

Submission:

Labcorp Genetics (formerly Invitae), Labcorp
Classification: Pathogenic for Congenital sideroblastic anemia-B-cell immunodeficiency-periodic fever-developmental delay syndrome. Last evaluated: 2024-05-29. Review status: criteria provided, single submitter. Criteria: Invitae Variant Classification Sherloc (09022015). Collection method: clinical testing. Allele origin: germline.
Comment: This sequence change creates a premature translational stop signal (p.Gln25*) in the TRNT1 gene. It is expected to result in an absent or disrupted protein product. Loss-of-function variants in TRNT1 are known to be pathogenic (PMID: 25193871). This variant is not present in population databases (gnomAD no frequency). This variant has not been reported in the literature in individuals affected with TRNT1-related conditions. ClinVar contains an entry for this variant (Variation ID: 1068812). Algorithms developed to predict the effect of sequence changes on RNA splicing suggest that this variant may disrupt the consensus splice site. For these reasons, this variant has been classified as Pathogenic.

Literature cited by the submitters: PubMed 25193871.

NM_182916.3(TRNT1):c.73C>T (p.Gln25Ter)

Gene: TRNT1 (tRNA nucleotidyl transferase 1; plus strand). Cytogenetic location: 3p26.2.
Variant type: single nucleotide variant.
Coding change: c.73C>T on transcript NM_182916.3 (MANE Select); coding-DNA position 73, C replaced by T.
Protein change: p.Gln25Ter; replaces glutamine 25 with a stop codon.
Molecular consequence: nonsense. On other transcripts: non-coding transcript variant (11).
Genome position (GRCh38, 1-based): chr3:3,129,113, C>T. VCF-style: chr3-3129113-C-T. GRCh37 (hg19) VCF-style: chr3-3170797-C-T.
Other names: c.73C>T, p.Gln25Ter (NM_001302946.2, NM_001367321.1, NM_001367322.1 and 1 more transcripts); short protein forms Q25*.
Identifiers: ClinVar variation 1068812 (VCV001068812.5), dbSNP rs1415152805, ClinGen allele CA351442237.